The following is an entry in ClinVar:

NM_000051.4(ATM):c.5091C>T (p.Thr1697=)

Gene: ATM (ATM serine/threonine kinase; plus strand). Cytogenetic location: 11q22.3.
Variant type: single nucleotide variant.
Coding change: c.5091C>T on transcript NM_000051.4 (MANE Select); coding-DNA position 5091, C replaced by T.
Protein change: p.Thr1697=; no amino-acid change (threonine 1697 retained).
Molecular consequence: synonymous variant.
Genome position (GRCh38, 1-based): chr11:108,299,799, C>T. VCF-style: chr11-108299799-C-T. GRCh37 (hg19) VCF-style: chr11-108170526-C-T.
Other names: c.5091C>T, p.Thr1697= (NM_001351834.2).
Identifiers: ClinVar variation 514167 (VCV000514167.8), dbSNP rs1555104680, ClinGen allele CA476674699.

ClinVar aggregate classification (germline): Likely benign. Review status: criteria provided, multiple submitters, no conflicts (2 of 4 stars). 2 submissions from 2 submitters: Likely benign (2). Last evaluated 2023-12-19.

Conditions:
Ataxia-telangiectasia syndrome (AT). Also called: Cerebello-oculocutaneous telangiectasia; Immunodeficiency with ataxia telangiectasia; AT, COMPLEMENTATION GROUP C; Ataxia-telangiectasia, complementation group D; LOUIS-BAR SYNDROME; Ataxia-telangiectasia, complementation group E. Identifiers: Orphanet 100, MedGen C0004135, MONDO:0008840, OMIM 208900.

Allele frequency attached by ClinVar (database versions not stated): gnomAD exomes below 0.00001.
gnomAD v4.1: 1 of 1,613,828 alleles (0.000062%); highest among the groups gnomAD compares: Non-Finnish European, 0.000085%; no homozygotes.

Submissions (2):

Labcorp Genetics (formerly Invitae), Labcorp
Classification: Likely benign for Ataxia-telangiectasia syndrome. Last evaluated: 2023-12-19. Review status: criteria provided, single submitter. Criteria: Invitae Variant Classification Sherloc (09022015). Collection method: clinical testing. Allele origin: germline.

GeneDx
Classification: Likely benign. Last evaluated: 2017-12-15. Review status: criteria provided, single submitter. Criteria: GeneDx Variant Classification (06012015). Collection method: clinical testing. Allele origin: germline. Affected: yes.
Comment: This variant is considered likely benign or benign based on one or more of the following criteria: it is a conservative change, it occurs at a poorly conserved position in the protein, it is predicted to be benign by multiple in silico algorithms, and/or has population frequency not consistent with disease.